The following is an entry in ClinVar:

ClinVar aggregate classification (germline): Likely benign (1 of 4 stars; one submission).

gnomAD v4.1: 5 of 1,610,820 alleles (0.00031%); highest among the groups gnomAD compares: Middle Eastern, 0.033%; no homozygotes.

Submission:

CeGaT Center for Human Genetics Tuebingen
Classification: Likely benign. Last evaluated: 2025-04-01. Review status: criteria provided, single submitter. Criteria: CeGaT Center For Human Genetics Tuebingen Variant Classification Criteria Version 2. Collection method: clinical testing. Allele origin: germline. Affected: yes. Observed: 1 variant allele.
Comment: CUX1: BP4, BP7

NM_181552.4(CUX1):c.1890A>G (p.Gln630=)

Gene: CUX1 (cut like homeobox 1; plus strand). Cytogenetic location: 7q22.1.
Variant type: single nucleotide variant.
Coding change: c.1890A>G on transcript NM_181552.4 (MANE Select); coding-DNA position 1890, A replaced by G.
Protein change: p.Gln630=; no amino-acid change (glutamine 630 retained).
Molecular consequence: synonymous variant. On other transcripts: intron variant (5).
Genome position (GRCh38, 1-based): chr7:102,197,301, A>G. VCF-style: chr7-102197301-A-G. GRCh37 (hg19) VCF-style: chr7-101840581-A-G.
Other names: c.1923A>G, p.Gln641= (NM_001202543.2); c.1255+1698A>G (NM_001913.5); c.1249+1698A>G (NM_181500.4); c.1117+1698A>G (NM_001202545.3); c.1207+1698A>G (NM_001202544.3); c.1138+1698A>G (NM_001202546.3).
Identifiers: ClinVar variation 3898190 (VCV003898190.7).